The following is an entry in ClinVar:

NM_001161352.2(KCNMA1):c.1887A>T (p.Leu629=)

Gene: KCNMA1 (potassium calcium-activated channel subfamily M alpha 1; minus strand). Cytogenetic location: 10q22.3.
Variant type: single nucleotide variant.
Coding change: c.1887A>T on transcript NM_001161352.2 (MANE Select); coding-DNA position 1887, A replaced by T.
Protein change: p.Leu629=; no amino-acid change (leucine 629 retained).
Molecular consequence: synonymous variant.
Genome position (GRCh38, 1-based): chr10:77,027,864, T>A on the plus strand (A>T on the coding strand, the complement: KCNMA1 is on the minus strand). VCF-style: chr10-77027864-T-A. GRCh37 (hg19) VCF-style: chr10-78787622-T-A.
Other names: c.1887A>T, p.Leu629= (NM_001161353.2, NM_001271519.2, NM_001322829.2 and 9 more transcripts); c.1725A>T, p.Leu575= (NM_001271518.2); c.1347A>T, p.Leu449= (NM_001322838.2); c.2019A>T, p.Leu673= (NM_001437422.1).
Identifiers: ClinVar variation 4534904 (VCV004534904.6).

ClinVar aggregate classification (germline): Likely benign (1 of 4 stars; one submission).

Submission:

CeGaT Center for Human Genetics Tuebingen
Classification: Likely benign. Last evaluated: 2025-10-01. Review status: criteria provided, single submitter. Criteria: CeGaT Center For Human Genetics Tuebingen Variant Classification Criteria Version 2. Collection method: clinical testing. Allele origin: germline. Affected: yes. Observed: 1 variant allele.
Comment: KCNMA1: PM2:Supporting, BP4, BP7